The following is an entry in ClinVar:

NM_003283.6(TNNT1):c.310-2A>T

Gene: TNNT1 (troponin T1, slow skeletal type; minus strand). Cytogenetic location: 19q13.42.
Variant type: single nucleotide variant.
Coding change: c.310-2A>T on transcript NM_003283.6 (MANE Select); the canonical splice acceptor site of the intron before coding-DNA position 310, A replaced by T.
Molecular consequence: splice acceptor variant.
Genome position (GRCh38, 1-based): chr19:55,140,962, T>A on the plus strand (A>T on the coding strand, the complement: TNNT1 is on the minus strand). VCF-style: chr19-55140962-T-A. GRCh37 (hg19) VCF-style: chr19-55652330-T-A.
Other names: c.277-2A>T (NM_001126133.3, NM_001291774.2); c.310-2A>T (NM_001126132.3).
Identifiers: ClinVar variation 2010722 (VCV002010722.4), dbSNP rs2515441946, ClinGen allele CA407435117.

ClinVar aggregate classification (germline): Likely pathogenic (1 of 4 stars; one submission).

Conditions:
Nemaline myopathy 5 (NEM5A). Also called: Nemaline myopathy 5, Amish type; NEMALINE MYOPATHY, AMISH TYPE; NEMALINE MYOPATHY 5A, AUTOSOMAL RECESSIVE, SEVERE INFANTILE. Identifiers: Orphanet 98902, MedGen C1854380, MONDO:0011539, OMIM 605355.

Submission:

Labcorp Genetics (formerly Invitae), Labcorp
Classification: Likely pathogenic for Nemaline myopathy 5. Last evaluated: 2022-06-25. Review status: criteria provided, single submitter. Criteria: Invitae Variant Classification Sherloc (09022015). Collection method: clinical testing. Allele origin: germline.
Comment: In summary, the currently available evidence indicates that the variant is pathogenic, but additional data are needed to prove that conclusively. Therefore, this variant has been classified as Likely Pathogenic. Algorithms developed to predict the effect of sequence changes on RNA splicing suggest that this variant may disrupt the consensus splice site. This variant has not been reported in the literature in individuals affected with TNNT1-related conditions. This variant is not present in population databases (gnomAD no frequency). This sequence change affects an acceptor splice site in intron 8 of the TNNT1 gene. It is expected to disrupt RNA splicing. Variants that disrupt the donor or acceptor splice site typically lead to a loss of protein function (PMID: 16199547), and loss-of-function variants in TNNT1 are known to be pathogenic (PMID: 10952871, 24689076, 25430424).

Literature cited by the submitters: PubMed 16199547; PubMed 10952871; PubMed 24689076; PubMed 25430424.